The following is an entry in ClinVar:

NM_003073.5(SMARCB1):c.106C>T (p.Leu36Phe)

Gene: SMARCB1 (SWI/SNF related BAF chromatin remodeling complex subunit B1; plus strand). Cytogenetic location: 22q11.23.
Variant type: single nucleotide variant.
Coding change: c.106C>T on transcript NM_003073.5 (MANE Select); coding-DNA position 106, C replaced by T.
Protein change: p.Leu36Phe; replaces leucine 36 with phenylalanine.
Molecular consequence: missense variant.
Genome position (GRCh38, 1-based): chr22:23,791,768, C>T. VCF-style: chr22-23791768-C-T. GRCh37 (hg19) VCF-style: chr22-24133955-C-T.
Other names: c.106C>T, p.Leu36Phe (NM_001007468.3, NM_001317946.2, NM_001362877.2); short protein forms L36F.
Identifiers: ClinVar variation 1434297 (VCV001434297.6), dbSNP rs2145959920, ClinGen allele CA410932407.
Genomic context (GRCh38, chr22:23,791,768, plus strand): 5'-CCTGTGGTGCTGCGACCCTTATAATGAGCCTTCTTGCTTTACTCATAGGTGGGAAACTAC[C>T]TCCGTATGTTCCGAGGTTCTCTGTACAAGAGATACCCCTCACTCTGGAGGCGACTAGCCA-3'
Protein context (NP_003064.2, residues 26-46): YMIGSEVGNY[Leu36Phe]RMFRGSLYKR

ClinVar aggregate classification (germline): Uncertain significance (1 of 4 stars; one submission).

Allele frequency attached by ClinVar (database versions not stated): gnomAD exomes below 0.00001.
gnomAD v4.1: 1 of 1,614,036 alleles (0.000062%); highest among the groups gnomAD compares: Non-Finnish European, 0.000085%; no homozygotes.

Submission:

Labcorp Genetics (formerly Invitae), Labcorp
Classification: Uncertain significance. Last evaluated: 2021-11-06. Review status: criteria provided, single submitter. Criteria: Invitae Variant Classification Sherloc (09022015). Collection method: clinical testing. Allele origin: germline.
Comment: This sequence change replaces leucine, which is neutral and non-polar, with phenylalanine, which is neutral and non-polar, at codon 36 of the SMARCB1 protein (p.Leu36Phe). This variant is not present in population databases (gnomAD no frequency). This variant has not been reported in the literature in individuals affected with SMARCB1-related conditions. Algorithms developed to predict the effect of missense changes on protein structure and function are either unavailable or do not agree on the potential impact of this missense change (SIFT: "Tolerated"; PolyPhen-2: "Probably Damaging"; Align-GVGD: "Class C0"). In summary, the available evidence is currently insufficient to determine the role of this variant in disease. Therefore, it has been classified as a Variant of Uncertain Significance.